The following is an entry in ClinVar:

NM_014053.4(FLVCR1):c.366C>T (p.Ala122=)

Gene: FLVCR1 (FLVCR choline and heme transporter 1; plus strand). Cytogenetic location: 1q32.3.
Variant type: single nucleotide variant.
Coding change: c.366C>T on transcript NM_014053.4 (MANE Select); coding-DNA position 366, C replaced by T.
Protein change: p.Ala122=; no amino-acid change (alanine 122 retained).
Molecular consequence: synonymous variant.
Genome position (GRCh38, 1-based): chr1:212,858,818, C>T. VCF-style: chr1-212858818-C-T. GRCh37 (hg19) VCF-style: chr1-213032160-C-T.
Other names: c.366C>T (NM_014053.3).
Identifiers: ClinVar variation 1150387 (VCV001150387.11), dbSNP rs374820446, ClinGen allele CA1385885.

ClinVar aggregate classification (germline): Likely benign. Review status: criteria provided, multiple submitters, no conflicts (2 of 4 stars). 3 submissions from 3 submitters: Likely benign (3). Last evaluated 2026-05-14.

Conditions:
FLVCR1-related disorder. Also called: FLVCR1-related condition.

Allele frequency attached by ClinVar (database versions not stated): ExAC 0.00004; gnomAD exomes 0.00004; gnomAD 0.00015 and 0.00016; ESP Exome Variant Server 0.00031.
gnomAD v4.1: 43 of 1,614,142 alleles (0.0027%); highest among the groups gnomAD compares: African/African-American, 0.056%; no homozygotes.

Submissions (3):

PreventionGenetics, part of Exact Sciences
Classification: Likely benign for FLVCR1-related condition. Last evaluated: 2026-05-14. Review status: criteria provided, single submitter. Criteria: ACMG Guidelines, 2015. Collection method: clinical testing. Allele origin: germline.
Comment: This variant is classified as likely benign based on ACMG/AMP sequence variant interpretation guidelines (Richards et al. 2015 PMID: 25741868, with internal and published modifications).

Labcorp Genetics (formerly Invitae), Labcorp
Classification: Likely benign. Last evaluated: 2025-08-21. Review status: criteria provided, single submitter. Criteria: Invitae Variant Classification Sherloc (09022015). Collection method: clinical testing. Allele origin: germline.

Blueprint Genetics
Classification: Likely benign. Last evaluated: 2021-09-06. Review status: criteria provided, single submitter. Criteria: ACMG Guidelines, 2015. Collection method: clinical testing. Allele origin: germline.